The following is an entry in ClinVar:

NM_004820.5(CYP7B1):c.508T>C (p.Leu170=)

Gene: CYP7B1 (cytochrome P450 family 7 subfamily B member 1; minus strand). Cytogenetic location: 8q12.3.
Variant type: single nucleotide variant.
Coding change: c.508T>C on transcript NM_004820.5 (MANE Select); coding-DNA position 508, T replaced by C.
Protein change: p.Leu170=; no amino-acid change (leucine 170 retained).
Molecular consequence: synonymous variant.
Genome position (GRCh38, 1-based): chr8:64,616,033, A>G on the plus strand (T>C on the coding strand, the complement: CYP7B1 is on the minus strand). VCF-style: chr8-64616033-A-G. GRCh37 (hg19) VCF-style: chr8-65528590-A-G.
Other names: c.508T>C, p.Leu170= (NM_001324112.2).
Identifiers: ClinVar variation 4998391 (VCV004998391.1).

ClinVar aggregate classification (germline): Likely benign (1 of 4 stars; one submission).

Conditions:
CYP7B1-related disorder. Also called: CYP7B1-related condition.

gnomAD v4.1: 2 of 1,613,768 alleles (0.00012%); highest among the groups gnomAD compares: East Asian, 0.0022%; no homozygotes.

Submission:

PreventionGenetics, part of Exact Sciences
Classification: Likely benign for CYP7B1-related condition. Last evaluated: 2025-03-31. Review status: criteria provided, single submitter. Criteria: ACMG Guidelines, 2015. Collection method: clinical testing. Allele origin: germline.
Comment: This variant is classified as likely benign based on ACMG/AMP sequence variant interpretation guidelines (Richards et al. 2015 PMID: 25741868, with internal and published modifications).